The following is an entry in ClinVar:

ClinVar aggregate classification (germline): Conflicting classifications of pathogenicity. Review status: criteria provided, conflicting classifications (1 of 4 stars). 2 submissions from 2 submitters: Uncertain significance (1); Likely benign (1). Last evaluated 2024-03-24.

Allele frequency attached by ClinVar (database versions not stated): gnomAD exomes below 0.00001; gnomAD 0.00001; ExAC 0.00002; 1000 Genomes Project 0.00020; 1000 Genomes Project 30x 0.00031.
gnomAD v4.1: 20 of 1,613,282 alleles (0.0012%); highest among the groups gnomAD compares: Non-Finnish European, 0.0016%; no homozygotes.

Submissions (2):

Labcorp Genetics (formerly Invitae), Labcorp
Classification: Likely benign. Last evaluated: 2024-03-24. Review status: criteria provided, single submitter. Criteria: Invitae Variant Classification Sherloc (09022015). Collection method: clinical testing. Allele origin: germline.

Laboratory for Molecular Medicine, Mass General Brigham Personalized Medicine
Classification: Uncertain significance. Last evaluated: 2015-03-06. Review status: criteria provided, single submitter. Criteria: LMM Criteria. Collection method: clinical testing. Allele origin: germline. Observed: 1 variant allele.
Comment: Variant classified as Uncertain Significance - Favor Benign. The c.783-13C>A var iant in TMPRSS3 has not been previously reported in individuals with hearing los s and was absent from large population studies. This variant has been identifie d in 2/60512 European chromosomes by the Exome Aggregation Consortium (ExAC; dbSNP rs140443203). Although this variant has been seen in the general population, its frequency is not high enough to rule out a p athogenic role. This variant is located in the 3' splice region but not in the i nvariant positions in the splice site consensus sequence and computational tools do not suggest an impact to splicing. However, this information is not predicti ve enough to rule out pathogenicity. In summary, while the clinical significance of the c.783-13C>A variant is uncertain, these data suggest that it is more lik ely to be benign.

NM_001256317.3(TMPRSS3):c.783-13C>A

Gene: TMPRSS3 (transmembrane serine protease 3; minus strand). Cytogenetic location: 21q22.3.
Variant type: single nucleotide variant.
Coding change: c.783-13C>A on transcript NM_001256317.3 (MANE Select); 13 bases into the intron before coding-DNA position 783, C replaced by A.
Molecular consequence: intron variant.
Genome position (GRCh38, 1-based): chr21:42,382,247, G>T on the plus strand (C>A on the coding strand, the complement: TMPRSS3 is on the minus strand). VCF-style: chr21-42382247-G-T. GRCh37 (hg19) VCF-style: chr21-43802356-G-T.
Other names: c.783-13C>A (NM_024022.4, NM_032405.2); c.402-13C>A (NM_032404.3).
Identifiers: ClinVar variation 229329 (VCV000229329.8), dbSNP rs140443203, ClinGen allele CA10042454.